The following is an entry in ClinVar:

NM_004553.6(NDUFS6):c.92G>T (p.Arg31Leu)

Gene: NDUFS6 (NADH:ubiquinone oxidoreductase subunit S6; plus strand). Cytogenetic location: 5p15.33.
Variant type: single nucleotide variant.
Coding change: c.92G>T on transcript NM_004553.6 (MANE Select); coding-DNA position 92, G replaced by T.
Protein change: p.Arg31Leu; replaces arginine 31 with leucine.
Molecular consequence: missense variant.
Genome position (GRCh38, 1-based): chr5:1,801,509, G>T. VCF-style: chr5-1801509-G-T. GRCh37 (hg19) VCF-style: chr5-1801623-G-T.
Other names: c.92G>T (NM_004553.4); short protein forms R31L.
Identifiers: ClinVar variation 1398895 (VCV001398895.9), dbSNP rs770018272, ClinGen allele CA359088764.
Genomic context (GRCh38, chr5:1,801,509, plus strand): 5'-TGAACCGGTGTGGCGAGGCGGCGCGGAGCCTGCCCCTGGGCGCCAGGTGTTTCGGGGTGC[G>T]GGTCTCGCCGACCGGGGAGAAGGTCACGCACACTGGCCAGGTAACGGCCGCTGGGTACAG-3'
Protein context (NP_004544.1, residues 21-41): LPLGARCFGV[Arg31Leu]VSPTGEKVTH

ClinVar aggregate classification (germline): Uncertain significance. Review status: criteria provided, multiple submitters, no conflicts (2 of 4 stars). 3 submissions from 3 submitters: Uncertain significance (3). Last evaluated 2024-06-04.

Conditions:
Mitochondrial complex I deficiency, nuclear type 9. Also called: Mitochondrial complex 1 deficiency, nuclear type 9. Identifiers: MedGen C4748767, MONDO:0032615, OMIM 618232.
Inborn genetic diseases. Identifiers: MedGen C0950123, MeSH D030342.

gnomAD v4.1: 22 of 1,599,246 alleles (0.0014%); highest among the groups gnomAD compares: Admixed American, 0.027%; no homozygotes.

Submissions (3):

Ambry Genetics
Classification: Uncertain significance for Inborn genetic diseases. Last evaluated: 2024-06-04. Review status: criteria provided, single submitter. Criteria: Ambry Variant Classification Scheme 2023. Collection method: clinical testing. Allele origin: germline.

Labcorp Genetics (formerly Invitae), Labcorp
Classification: Uncertain significance. Last evaluated: 2024-04-27. Review status: criteria provided, single submitter. Criteria: Invitae Variant Classification Sherloc (09022015). Collection method: clinical testing. Allele origin: germline.
Comment: This sequence change replaces arginine, which is basic and polar, with leucine, which is neutral and non-polar, at codon 31 of the NDUFS6 protein (p.Arg31Leu). The frequency data for this variant in the population databases is considered unreliable, as metrics indicate poor data quality at this position in the gnomAD database. This variant has not been reported in the literature in individuals affected with NDUFS6-related conditions. ClinVar contains an entry for this variant (Variation ID: 1398895). An algorithm developed to predict the effect of missense changes on protein structure and function (PolyPhen-2) suggests that this variant is likely to be tolerated. In summary, the available evidence is currently insufficient to determine the role of this variant in disease. Therefore, it has been classified as a Variant of Uncertain Significance.

Fulgent Genetics
Classification: Uncertain significance for Mitochondrial complex I deficiency, nuclear type 9. Last evaluated: 2021-07-23. Review status: criteria provided, single submitter. Criteria: ACMG Guidelines, 2015. Collection method: clinical testing. Allele origin: unknown.